The following is an entry in ClinVar:

NM_001004334.4(GPR179):c.2352_2364del (p.Leu785fs)

Gene: GPR179 (G protein-coupled receptor 179; minus strand). Cytogenetic location: 17q12.
Variant type: Deletion.
Coding change: c.2352_2364del on transcript NM_001004334.4 (MANE Select); coding-DNA positions 2352 to 2364, 13 bases deleted (TCTTCTTGACTCA).
Protein change: p.Leu785fs; shifts the reading frame from leucine 785.
Molecular consequence: frameshift variant.
Genome position (GRCh38, 1-based): chr17:38,331,205-38,331,217, TGAGTCAAGAAGA deleted on the plus strand (TCTTCTTGACTCA on the coding strand, the reverse complement: GPR179 is on the minus strand). VCF-style (leftmost placement, unchanged base first): chr17-38331204-GTGAGTCAAGAAGA-G. GRCh37 (hg19) VCF-style: chr17-36487087-GTGAGTCAAGAAGA-G.
Other names: short protein forms L785fs.
Identifiers: ClinVar variation 1411958 (VCV001411958.5), dbSNP rs2144264106, ClinGen allele CA2573153913.
Genomic context (GRCh38, chr17:38,331,204, plus strand): 5'-CCTCCACCGACTCCCGGCTCTCTGTTCGAGAGGCCTTCTTGGCCAGCTTCCTCCTCAGCA[GTGAGTCAAGAAGA>G]GGCGGGTCCTGCTCCCTGCGCTGGTCATAGGTGCTGCGGGACTTGTGCAGAGCTGGTGTC-3'

ClinVar aggregate classification (germline): Uncertain significance (1 of 4 stars; one submission).

Submission:

Labcorp Genetics (formerly Invitae), Labcorp
Classification: Uncertain significance. Last evaluated: 2023-11-13. Review status: criteria provided, single submitter. Criteria: Invitae Variant Classification Sherloc (09022015). Collection method: clinical testing. Allele origin: germline.
Comment: This sequence change creates a premature translational stop signal (p.Leu785Cysfs*2) in the GPR179 gene. While this is not anticipated to result in nonsense mediated decay, it is expected to disrupt the last 1583 amino acid(s) of the GPR179 protein. This variant is not present in population databases (gnomAD no frequency). This variant has not been reported in the literature in individuals affected with GPR179-related conditions. ClinVar contains an entry for this variant (Variation ID: 1411958). Experimental studies and prediction algorithms are not available or were not evaluated, and the functional significance of this variant is currently unknown. In summary, the available evidence is currently insufficient to determine the role of this variant in disease. Therefore, it has been classified as a Variant of Uncertain Significance.